The following is an entry in ClinVar:

NM_000393.5(COL5A2):c.204C>A (p.Ala68=)

Gene: COL5A2 (collagen type V alpha 2 chain; minus strand). Cytogenetic location: 2q32.2.
Variant type: single nucleotide variant.
Coding change: c.204C>A on transcript NM_000393.5 (MANE Select); coding-DNA position 204, C replaced by A.
Protein change: p.Ala68=; no amino-acid change (alanine 68 retained).
Molecular consequence: synonymous variant.
Genome position (GRCh38, 1-based): chr2:189,110,343, G>T on the plus strand (C>A on the coding strand, the complement: COL5A2 is on the minus strand). VCF-style: chr2-189110343-G-T. GRCh37 (hg19) VCF-style: chr2-189975069-G-T.
Identifiers: ClinVar variation 511733 (VCV000511733.1), dbSNP rs1553519038, ClinGen allele CA430308009.

ClinVar aggregate classification (germline): Likely benign (1 of 4 stars; one submission).

Submission:

GeneDx
Classification: Likely benign. Last evaluated: 2017-08-25. Review status: criteria provided, single submitter. Criteria: GeneDx Variant Classification (06012015). Collection method: clinical testing. Allele origin: germline. Affected: yes.
Comment: This variant is considered likely benign or benign based on one or more of the following criteria: it is a conservative change, it occurs at a poorly conserved position in the protein, it is predicted to be benign by multiple in silico algorithms, and/or has population frequency not consistent with disease.